The following is an entry in ClinVar:

NM_001015880.2(PAPSS2):c.381+15_381+24dup

Gene: PAPSS2 (3'-phosphoadenosine 5'-phosphosulfate synthase 2; plus strand). Cytogenetic location: 10q23.31.
Variant type: Duplication.
Coding change: c.381+15_381+24dup on transcript NM_001015880.2 (MANE Select); bases 15 to 24 of the intron after coding-DNA position 381, 10 bases duplicated (AAAAAAAAAA; older notation c.381+15_381+24dupAAAAAAAAAA).
Molecular consequence: intron variant.
Genome position (GRCh38, 1-based): chr10:87,713,325-87,713,334, AAAAAAAAAA duplicated; duplicating any 10 consecutive bases within chr10:87,713,313-87,713,334 gives the same sequence; the c. name uses the placement nearest the transcript's 3' end. VCF-style (leftmost placement, unchanged base first): chr10-87713312-T-TAAAAAAAAAA. GRCh37 (hg19) VCF-style: chr10-89473069-T-TAAAAAAAAAA.
Other names: c.381+15_381+24dup (NM_004670.4).
Identifiers: ClinVar variation 4534154 (VCV004534154.6).

ClinVar aggregate classification (germline): Likely benign (1 of 4 stars; one submission).

Submission:

CeGaT Center for Human Genetics Tuebingen
Classification: Likely benign. Last evaluated: 2026-06-01. Review status: criteria provided, single submitter. Criteria: CeGaT Center For Human Genetics Tuebingen Variant Classification Criteria Version 2. Collection method: clinical testing. Allele origin: germline. Affected: yes. Observed: 4 variant alleles.
Comment: PAPSS2: BS2